The following is an entry in ClinVar:

ClinVar aggregate classification (germline): Likely benign (1 of 4 stars; one submission).

Allele frequency attached by ClinVar (database versions not stated): gnomAD exomes 0.00003; ExAC 0.00019; gnomAD 0.00023; TOPMed 0.00030; ESP Exome Variant Server 0.00038.
gnomAD v4.1: 253 of 1,612,954 alleles (0.016%); highest among the groups gnomAD compares: East Asian, 0.06%; 17 homozygotes.

Submission:

CeGaT Center for Human Genetics Tuebingen
Classification: Likely benign. Last evaluated: 2023-03-01. Review status: criteria provided, single submitter. Criteria: CeGaT Center For Human Genetics Tuebingen Variant Classification Criteria Version 2. Collection method: clinical testing. Allele origin: germline. Affected: yes. Observed: 1 variant allele.
Comment: GBP7: BP4, BP7

NM_207398.3(GBP7):c.162A>G (p.Leu54=)

Gene: GBP7 (guanylate binding protein 7; minus strand). Cytogenetic location: 1p22.2.
Variant type: single nucleotide variant.
Coding change: c.162A>G on transcript NM_207398.3 (MANE Select); coding-DNA position 162, A replaced by G.
Protein change: p.Leu54=; no amino-acid change (leucine 54 retained).
Molecular consequence: synonymous variant.
Genome position (GRCh38, 1-based): chr1:89,171,774, T>C on the plus strand (A>G on the coding strand, the complement: GBP7 is on the minus strand). VCF-style: chr1-89171774-T-C. GRCh37 (hg19) VCF-style: chr1-89637457-T-C.
Identifiers: ClinVar variation 2638921 (VCV002638921.24), dbSNP rs144350186, ClinGen allele CA941293.